The following is an entry in ClinVar:

NM_016284.5(CNOT1):c.4434+26G>A

Gene: CNOT1 (CCR4-NOT transcription complex subunit 1; minus strand). Cytogenetic location: 16q21.
Variant type: single nucleotide variant.
Coding change: c.4434+26G>A on transcript NM_016284.5 (MANE Select); 26 bases into the intron after coding-DNA position 4434, G replaced by A.
Molecular consequence: intron variant. On other transcripts: missense variant (1).
Genome position (GRCh38, 1-based): chr16:58,543,581, C>T on the plus strand (G>A on the coding strand, the complement: CNOT1 is on the minus strand). VCF-style: chr16-58543581-C-T. GRCh37 (hg19) VCF-style: chr16-58577485-C-T.
Other names: c.4460G>A, p.Arg1487Lys (NM_206999.3); c.4419+26G>A (NM_001265612.2); short protein forms R1487K.
Identifiers: ClinVar variation 4872370 (VCV004872370.2).

ClinVar aggregate classification (germline): Likely benign (1 of 4 stars; one submission).

gnomAD v4.1: 632 of 1,613,954 alleles (0.039%); highest among the groups gnomAD compares: Non-Finnish European, 0.05%; no homozygotes.

Submission:

CeGaT Center for Human Genetics Tuebingen
Classification: Likely benign. Last evaluated: 2026-04-01. Review status: criteria provided, single submitter. Criteria: CeGaT Center For Human Genetics Tuebingen Variant Classification Criteria Version 2. Collection method: clinical testing. Allele origin: germline. Affected: yes. Observed: 1 variant allele.
Comment: CNOT1: PP2, BP4, BS2